The following is an entry in ClinVar:

NM_004260.4(RECQL4):c.2237C>G (p.Ala746Gly)

Gene: RECQL4 (RecQ like helicase 4; minus strand). Cytogenetic location: 8q24.3.
Variant type: single nucleotide variant.
Coding change: c.2237C>G on transcript NM_004260.4 (MANE Select); coding-DNA position 2237, C replaced by G.
Protein change: p.Ala746Gly; replaces alanine 746 with glycine.
Molecular consequence: missense variant.
Genome position (GRCh38, 1-based): chr8:144,513,444, G>C on the plus strand (C>G on the coding strand, the complement: RECQL4 is on the minus strand). VCF-style: chr8-144513444-G-C. GRCh37 (hg19) VCF-style: chr8-145738828-G-C.
Other names: short protein forms A746G.
Identifiers: ClinVar variation 528985 (VCV000528985.5), dbSNP rs201883228, ClinGen allele CA372678506.

ClinVar aggregate classification (germline): Uncertain significance (1 of 4 stars; one submission).

Conditions:
Baller-Gerold syndrome (BGS). Also called: CRANIOSYNOSTOSIS WITH RADIAL DEFECTS. Identifiers: Orphanet 1225, MedGen C0265308, MONDO:0009039, OMIM 218600.

gnomAD v4.1: 1 of 1,609,684 alleles (0.000062%); highest among the groups gnomAD compares: Admixed American, 0.0017%; no homozygotes.

Submission:

Labcorp Genetics (formerly Invitae), Labcorp
Classification: Uncertain significance for Baller-Gerold syndrome. Last evaluated: 2023-10-04. Review status: criteria provided, single submitter. Criteria: Invitae Variant Classification Sherloc (09022015). Collection method: clinical testing. Allele origin: germline.
Comment: This sequence change replaces alanine, which is neutral and non-polar, with glycine, which is neutral and non-polar, at codon 746 of the RECQL4 protein (p.Ala746Gly). This variant is present in population databases (no rsID available, gnomAD 0.003%). This variant has not been reported in the literature in individuals affected with RECQL4-related conditions. ClinVar contains an entry for this variant (Variation ID: 528985). Advanced modeling of protein sequence and biophysical properties (such as structural, functional, and spatial information, amino acid conservation, physicochemical variation, residue mobility, and thermodynamic stability) has been performed at Invitae for this missense variant, however the output from this modeling did not meet the statistical confidence thresholds required to predict the impact of this variant on RECQL4 protein function. In summary, the available evidence is currently insufficient to determine the role of this variant in disease. Therefore, it has been classified as a Variant of Uncertain Significance.